The following is an entry in ClinVar:

ClinVar aggregate classification (germline): Uncertain significance. Review status: criteria provided, multiple submitters, no conflicts (2 of 4 stars). 2 submissions from 2 submitters: Uncertain significance (2). Last evaluated 2025-12-15.

Conditions:
Schimke immuno-osseous dysplasia (SIOD). Also called: Schimke Immunoosseous Dysplasia. Identifiers: Orphanet 1830, MedGen C0877024, MONDO:0009458, OMIM 242900.
Inborn genetic diseases. Identifiers: MedGen C0950123, MeSH D030342.

Allele frequency attached by ClinVar (database versions not stated): gnomAD 0.00001; TOPMed 0.00001.
gnomAD v4.1: 3 of 1,614,124 alleles (0.00019%); highest among the groups gnomAD compares: Non-Finnish European, 0.00017%; no homozygotes.

Submissions (2):

Ambry Genetics
Classification: Uncertain significance for Inborn genetic diseases. Last evaluated: 2025-12-15. Review status: criteria provided, single submitter. Criteria: Ambry Variant Classification Scheme 2023. Collection method: clinical testing. Allele origin: germline.

Labcorp Genetics (formerly Invitae), Labcorp
Classification: Uncertain significance for Schimke immuno-osseous dysplasia. Last evaluated: 2021-12-31. Review status: criteria provided, single submitter. Criteria: Invitae Variant Classification Sherloc (09022015). Collection method: clinical testing. Allele origin: germline.
Comment: This sequence change replaces alanine, which is neutral and non-polar, with glycine, which is neutral and non-polar, at codon 20 of the SMARCAL1 protein (p.Ala20Gly). This variant is not present in population databases (gnomAD no frequency). This variant has not been reported in the literature in individuals affected with SMARCAL1-related conditions. Algorithms developed to predict the effect of missense changes on protein structure and function are either unavailable or do not agree on the potential impact of this missense change (SIFT: "Tolerated"; PolyPhen-2: "Probably Damaging"; Align-GVGD: "Class C0"). In summary, the available evidence is currently insufficient to determine the role of this variant in disease. Therefore, it has been classified as a Variant of Uncertain Significance.

NM_014140.4(SMARCAL1):c.59C>G (p.Ala20Gly)

Gene: SMARCAL1 (SNF2 related chromatin remodeling annealing helicase 1; plus strand). Cytogenetic location: 2q35.
Variant type: single nucleotide variant.
Coding change: c.59C>G on transcript NM_014140.4 (MANE Select); coding-DNA position 59, C replaced by G.
Protein change: p.Ala20Gly; replaces alanine 20 with glycine.
Molecular consequence: missense variant.
Genome position (GRCh38, 1-based): chr2:216,414,763, C>G. VCF-style: chr2-216414763-C-G. GRCh37 (hg19) VCF-style: chr2-217279486-C-G.
Other names: c.59C>G (NM_014140.3); c.59C>G, p.Ala20Gly (NM_001127207.2); short protein forms A20G.
Identifiers: ClinVar variation 1401624 (VCV001401624.7), dbSNP rs1386481163, ClinGen allele CA350496286.